The following is an entry in ClinVar:

NM_007118.4(TRIO):c.2301G>A (p.Ala767=)

Gene: TRIO (trio Rho guanine nucleotide exchange factor; plus strand). Cytogenetic location: 5p15.2.
Variant type: single nucleotide variant.
Coding change: c.2301G>A on transcript NM_007118.4 (MANE Select); coding-DNA position 2301, G replaced by A.
Protein change: p.Ala767=; no amino-acid change (alanine 767 retained).
Molecular consequence: synonymous variant. On other transcripts: non-coding transcript variant (1).
Genome position (GRCh38, 1-based): chr5:14,359,441, G>A. VCF-style: chr5-14359441-G-A. GRCh37 (hg19) VCF-style: chr5-14359550-G-A.
Identifiers: ClinVar variation 2655316 (VCV002655316.25), dbSNP rs752703966, ClinGen allele CA3205864.
Genomic context (GRCh38, chr5:14,359,441, plus strand): 5'-GACCCCCCACAACAGCTCCATCAACCACATTGAGACGGTGCTGCAGCAGCTGGACGAGGC[G>A]CAGTCGCAGATGGAGGAGCTCTTCCAGGAGCGCAAGATCAAGCTGGAGCTCTTCCTGCAG-3'
Protein context (NP_009049.2, residues 757-777): IETVLQQLDE[Ala767=]QSQMEELFQE

ClinVar aggregate classification (germline): Likely benign. Review status: criteria provided, multiple submitters, no conflicts (2 of 4 stars). 2 submissions from 2 submitters: Likely benign (2). Last evaluated 2023-09-16.

Allele frequency attached by ClinVar (database versions not stated): ExAC 0.00001; gnomAD exomes 0.00001; gnomAD 0.00004; TOPMed 0.00004.
gnomAD v4.1: 26 of 1,614,150 alleles (0.0016%); highest among the groups gnomAD compares: East Asian, 0.013%; no homozygotes.

Submissions (2):

Blueprint Genetics
Classification: Likely benign. Last evaluated: 2023-09-16. Review status: criteria provided, single submitter. Criteria: ACMG Guidelines, 2015. Collection method: clinical testing. Allele origin: germline.

CeGaT Center for Human Genetics Tuebingen
Classification: Likely benign. Last evaluated: 2023-03-01. Review status: criteria provided, single submitter. Criteria: CeGaT Center For Human Genetics Tuebingen Variant Classification Criteria Version 2. Collection method: clinical testing. Allele origin: germline. Affected: yes. Observed: 1 variant allele.
Comment: TRIO: BP4, BP7